The following is an entry in ClinVar:

ClinVar aggregate classification (germline): Uncertain significance. Review status: criteria provided, multiple submitters, no conflicts (2 of 4 stars). 3 submissions from 3 submitters: Uncertain significance (3). Last evaluated 2026-02-03.

Conditions:
Hereditary cancer-predisposing syndrome. Also called: Neoplastic Syndromes, Hereditary; Hereditary Cancer Syndrome; Hereditary neoplastic syndrome; Tumor predisposition. Identifiers: Orphanet 140162, MedGen C0027672, MeSH D009386, MONDO:0015356.

Allele frequency attached by ClinVar (database versions not stated): TOPMed below 0.00001; gnomAD 0.00001.
gnomAD v4.1: 1 of 1,614,026 alleles (0.000062%); highest among the groups gnomAD compares: Non-Finnish European, 0.000085%; no homozygotes.

Submissions (3):

Labcorp Genetics (formerly Invitae), Labcorp
Classification: Uncertain significance. Last evaluated: 2026-02-03. Review status: criteria provided, single submitter. Criteria: Invitae Variant Classification Sherloc (09022015). Collection method: clinical testing. Allele origin: germline.
Comment: This sequence change replaces glycine, which is neutral and non-polar, with aspartic acid, which is acidic and polar, at codon 83 of the FH protein (p.Gly83Asp). This variant is not present in population databases (gnomAD no frequency). This variant has not been reported in the literature in individuals affected with FH-related conditions. ClinVar contains an entry for this variant (Variation ID: 2761138). Invitae Evidence Modeling of protein sequence and biophysical properties (such as structural, functional, and spatial information, amino acid conservation, physicochemical variation, residue mobility, and thermodynamic stability) indicates that this missense variant is not expected to disrupt FH protein function with a negative predictive value of 95%. In summary, the available evidence is currently insufficient to determine the role of this variant in disease. Therefore, it has been classified as a Variant of Uncertain Significance.

Center for Genomic Medicine, Rigshospitalet, Copenhagen University Hospital
Classification: Uncertain significance. Last evaluated: 2025-12-29. Review status: criteria provided, single submitter. Criteria: ACMG Guidelines, 2015. Collection method: clinical testing. Allele origin: germline.

Ambry Genetics
Classification: Uncertain significance for Hereditary cancer-predisposing syndrome. Last evaluated: 2024-10-15. Review status: criteria provided, single submitter. Criteria: Ambry Variant Classification Scheme 2023. Collection method: clinical testing. Allele origin: germline.
Comment: The p.G83D variant (also known as c.248G>A), located in coding exon 2 of the FH gene, results from a G to A substitution at nucleotide position 248. The glycine at codon 83 is replaced by aspartic acid, an amino acid with similar properties. This amino acid position is highly conserved in available vertebrate species. In addition, this alteration is predicted to be deleterious by in silico analysis. Based on the available evidence, the clinical significance of this variant remains unclear.

NM_000143.4(FH):c.248G>A (p.Gly83Asp)

Gene: FH (fumarate hydratase; minus strand). Cytogenetic location: 1q43.
Variant type: single nucleotide variant.
Coding change: c.248G>A on transcript NM_000143.4 (MANE Select); coding-DNA position 248, G replaced by A.
Protein change: p.Gly83Asp; replaces glycine 83 with aspartic acid.
Molecular consequence: missense variant.
Genome position (GRCh38, 1-based): chr1:241,517,201, C>T on the plus strand (G>A on the coding strand, the complement: FH is on the minus strand). VCF-style: chr1-241517201-C-T. GRCh37 (hg19) VCF-style: chr1-241680501-C-T.
Other names: short protein forms G83D.
Identifiers: ClinVar variation 2761138 (VCV002761138.5), dbSNP rs1660240804, ClinGen allele CA345441677.